The following is an entry in ClinVar:

ClinVar aggregate classification (germline): Uncertain significance. Review status: criteria provided, multiple submitters, no conflicts (2 of 4 stars). 5 submissions from 5 submitters: Uncertain significance (5). Last evaluated 2025-09-25.

Conditions:
NF1-related disorder. Also called: NF1-related condition. Identifiers: MedGen CN379171.
Cardiovascular phenotype. Identifiers: MedGen CN230736.
Hereditary cancer-predisposing syndrome. Also called: Tumor predisposition; Hereditary neoplastic syndrome; Neoplastic Syndromes, Hereditary; Hereditary Cancer Syndrome. Identifiers: Orphanet 140162, MedGen C0027672, MeSH D009386, MONDO:0015356.
Juvenile myelomonocytic leukemia (JMML). Also called: LEUKEMIA, JUVENILE MYELOMONOCYTIC, SOMATIC. Identifiers: Orphanet 86834, MedGen C0349639, MONDO:0011908, OMIM 607785, HP:0012209.
Neurofibromatosis, type 1 (NF1). Also called: Peripheral type neurofibromatosis; VON RECKLINGHAUSEN DISEASE; NEUROFIBROMATOSIS, TYPE I, SOMATIC; Neurofibromatosis, type I. Identifiers: Orphanet 636, MedGen C0027831, MONDO:0018975, OMIM 162200. Disease mechanism: loss of function.

Submissions (5):

PreventionGenetics, part of Exact Sciences
Classification: Uncertain significance for NF1-related condition. Last evaluated: 2025-09-25. Review status: criteria provided, single submitter. Criteria: ACMG Guidelines, 2015. Collection method: clinical testing. Allele origin: germline.
Comment: The NF1 c.7081A>G variant is predicted to result in the amino acid substitution p.Met2361Val. To our knowledge, this variant has not been reported in the literature or in a large population database (gnomAD), indicating this variant is rare. Alternate missense variants at the same amino acid position have been reported in the literature as variants of uncertain significance, but were not reported in patients with a clear NF1-related diagnosis (Okawa et al. 2023. PubMed ID: 36243179; Momozawa et al. 2018. PubMed ID: 30287823; alternate nomenclature NM_000267.3 p.Met2340Ile). At this time, the clinical significance of this variant is uncertain due to the absence of conclusive functional and genetic evidence.

Labcorp Genetics (formerly Invitae), Labcorp
Classification: Uncertain significance for Neurofibromatosis, type 1. Last evaluated: 2025-03-04. Review status: criteria provided, single submitter. Criteria: Invitae Variant Classification Sherloc (09022015). Collection method: clinical testing. Allele origin: germline.
Comment: This sequence change replaces methionine, which is neutral and non-polar, with valine, which is neutral and non-polar, at codon 2340 of the NF1 protein (p.Met2340Val). This variant is not present in population databases (gnomAD no frequency). This variant has not been reported in the literature in individuals affected with NF1-related conditions. ClinVar contains an entry for this variant (Variation ID: 457821). Invitae Evidence Modeling of protein sequence and biophysical properties (such as structural, functional, and spatial information, amino acid conservation, physicochemical variation, residue mobility, and thermodynamic stability) has been performed for this missense variant. However, the output from this modeling did not meet the statistical confidence thresholds required to predict the impact of this variant on NF1 protein function. In summary, the available evidence is currently insufficient to determine the role of this variant in disease. Therefore, it has been classified as a Variant of Uncertain Significance.

Ambry Genetics
Classification: Uncertain significance for Cardiovascular phenotype; Hereditary cancer-predisposing syndrome. Last evaluated: 2025-02-24. Review status: criteria provided, single submitter. Criteria: Ambry Variant Classification Scheme 2023. Collection method: clinical testing. Allele origin: germline.
Comment: The p.M2340V variant (also known as c.7018A>G), located in coding exon 47 of the NF1 gene, results from an A to G substitution at nucleotide position 7018. The methionine at codon 2340 is replaced by valine, an amino acid with highly similar properties. This amino acid position is conserved. In addition, the in silico prediction for this alteration is inconclusive. Based on the available evidence, the clinical significance of this variant remains unclear.

Baylor Genetics
Classification: Uncertain significance for Juvenile myelomonocytic leukemia. Last evaluated: 2023-06-02. Review status: criteria provided, single submitter. Criteria: ACMG Guidelines, 2015. Collection method: clinical testing. Allele origin: unknown.

GeneDx
Classification: Uncertain significance. Last evaluated: 2022-11-25. Review status: criteria provided, single submitter. Criteria: GeneDx Variant Classification Process June 2021. Collection method: clinical testing. Allele origin: germline. Affected: yes.
Comment: Not observed at significant frequency in large population cohorts (gnomAD); In silico analysis supports that this missense variant has a deleterious effect on protein structure/function; Has not been previously published as pathogenic or benign to our knowledge

NM_001042492.3(NF1):c.7081A>G (p.Met2361Val)

Gene: NF1 (neurofibromin 1; plus strand). Cytogenetic location: 17q11.2.
Variant type: single nucleotide variant.
Coding change: c.7081A>G on transcript NM_001042492.3 (MANE Select); coding-DNA position 7081, A replaced by G.
Protein change: p.Met2361Val; replaces methionine 2361 with valine.
Molecular consequence: missense variant.
Genome position (GRCh38, 1-based): chr17:31,343,027, A>G. VCF-style: chr17-31343027-A-G. GRCh37 (hg19) VCF-style: chr17-29670045-A-G.
Other names: c.7018A>G, p.Met2340Val (NM_000267.4); short protein forms M2361V, M2340V.
Identifiers: ClinVar variation 457821 (VCV000457821.10), dbSNP rs1022562410, ClinGen allele CA289396096.
Genomic context (GRCh38, chr17:31,343,027, plus strand): 5'-CTGTGTGAACCTCATCAACCATCTCATGATTATCTTTAATAGAGTCCAGAGGAAGTATTT[A>G]TGGCAATCCGGAATCCTCTGGAGTGGCACTGCAAGCAAATGGATCATTTTGTTGGACTCA-3'
Protein context (NP_001035957.1, residues 2351-2371): FNDKSPEEVF[Met2361Val]AIRNPLEWHC